The following is an entry in ClinVar:

ClinVar aggregate classification (germline): Uncertain significance (1 of 4 stars; one submission).

Allele frequency attached by ClinVar (database versions not stated): gnomAD exomes below 0.00001.
gnomAD v4.1: 1 of 1,548,090 alleles (0.000065%); highest among the groups gnomAD compares: Admixed American, 0.0018%; no homozygotes.

Submission:

GeneDx
Classification: Uncertain significance. Last evaluated: 2021-05-06. Review status: criteria provided, single submitter. Criteria: GeneDx Variant Classification Process June 2021. Collection method: clinical testing. Allele origin: germline. Affected: yes.
Comment: Not observed in large population cohorts (Lek et al., 2016); In silico analysis, which includes protein predictors and evolutionary conservation, supports that this variant does not alter protein structure/function; Has not been previously published as pathogenic or benign to our knowledge

NM_001379200.1(TBX1):c.1342C>T (p.Pro448Ser)

Gene: TBX1 (T-box transcription factor 1; plus strand). Cytogenetic location: 22q11.21.
Variant type: single nucleotide variant.
Coding change: c.1342C>T on transcript NM_001379200.1 (MANE Select); coding-DNA position 1342, C replaced by T.
Protein change: p.Pro448Ser; replaces proline 448 with serine.
Molecular consequence: missense variant. On other transcripts: intron variant (2).
Genome position (GRCh38, 1-based): chr22:19,766,694, C>T. VCF-style: chr22-19766694-C-T. GRCh37 (hg19) VCF-style: chr22-19754217-C-T.
Other names: c.1315C>T, p.Pro439Ser (NM_080647.1); c.1009+692C>T (NM_005992.1, NM_080646.2); short protein forms P439S, P448S.
Identifiers: ClinVar variation 1315026 (VCV001315026.2), dbSNP rs2145839048, ClinGen allele CA410685060.